The following is an entry in ClinVar:

ClinVar aggregate classification (germline): Likely benign (0 of 4 stars; one submission).

Conditions:
PLEKHA5-related disorder. Also called: PLEKHA5-related condition.

Allele frequency attached by ClinVar (database versions not stated): TOPMed 0.00006; ExAC 0.00002; gnomAD exomes 0.00008; gnomAD 0.00006.
gnomAD v4.1: 142 of 1,612,188 alleles (0.0088%); highest among the groups gnomAD compares: Non-Finnish European, 0.011%; no homozygotes.

Submission:

PreventionGenetics, part of Exact Sciences
Classification: Likely benign for PLEKHA5-related condition. Last evaluated: 2019-11-26. Review status: no assertion criteria provided. Collection method: clinical testing. Allele origin: germline.
Comment: This variant is classified as likely benign based on ACMG/AMP sequence variant interpretation guidelines (Richards et al. 2015 PMID: 25741868, with internal and published modifications).

NM_001256470.2(PLEKHA5):c.3645A>G (p.Pro1215=)

Gene: PLEKHA5 (pleckstrin homology domain containing A5; plus strand). Cytogenetic location: 12p12.3.
Variant type: single nucleotide variant.
Coding change: c.3645A>G on transcript NM_001256470.2 (MANE Select); coding-DNA position 3645, A replaced by G.
Protein change: p.Pro1215=; no amino-acid change (proline 1215 retained).
Molecular consequence: synonymous variant. On other transcripts: non-coding transcript variant (6).
Genome position (GRCh38, 1-based): chr12:19,366,000, A>G. VCF-style: chr12-19366000-A-G. GRCh37 (hg19) VCF-style: chr12-19518934-A-G.
Other names: c.3321A>G, p.Pro1107= (NM_001143821.3, NM_001385933.1, NM_001385968.1); c.3093A>G, p.Pro1031= (NM_001256787.2); c.3627A>G, p.Pro1209= (NM_001385923.1); c.3609A>G, p.Pro1203= (NM_001385924.1); c.3591A>G, p.Pro1197= (NM_001385925.1); c.3645A>G, p.Pro1215= (NM_001385926.1); c.3525A>G, p.Pro1175= (NM_001385927.1); c.3477A>G, p.Pro1159= (NM_001385928.1); and 30 more.
Identifiers: ClinVar variation 3049202 (VCV003049202.2), dbSNP rs61757729, ClinGen allele CA6472907.